The following is an entry in ClinVar:

NM_001457.4(FLNB):c.7444G>C (p.Ala2482Pro)

Genes: FLNB (filamin B; plus strand), FLNB-AS1 (FLNB antisense RNA 1; minus strand). Cytogenetic location: 3p14.3.
Variant type: single nucleotide variant.
Coding change: c.7444G>C on transcript NM_001457.4 (MANE Select); coding-DNA position 7444, G replaced by C.
Protein change: p.Ala2482Pro; replaces alanine 2482 with proline.
Molecular consequence: missense variant.
Genome position (GRCh38, 1-based): chr3:58,169,616, G>C. VCF-style: chr3-58169616-G-C. GRCh37 (hg19) VCF-style: chr3-58155343-G-C.
Other names: c.7537G>C, p.Ala2513Pro (NM_001164317.2); c.7411G>C, p.Ala2471Pro (NM_001164318.2); c.7372G>C, p.Ala2458Pro (NM_001164319.2); short protein forms A2458P, A2482P, A2513P, A2471P.
Identifiers: ClinVar variation 1986357 (VCV001986357.4), dbSNP rs201566479, ClinGen allele CA2469694.

ClinVar aggregate classification (germline): Uncertain significance (1 of 4 stars; one submission).

Allele frequency attached by ClinVar (database versions not stated): gnomAD exomes below 0.00001; TOPMed below 0.00001; gnomAD 0.00001; ExAC 0.00002; 1000 Genomes Project 0.00020; 1000 Genomes Project 30x 0.00031.
gnomAD v4.1: 9 of 1,614,148 alleles (0.00056%); highest among the groups gnomAD compares: Admixed American, 0.0083%; no homozygotes.

Submission:

Labcorp Genetics (formerly Invitae), Labcorp
Classification: Uncertain significance. Last evaluated: 2026-01-19. Review status: criteria provided, single submitter. Criteria: Invitae Variant Classification Sherloc (09022015). Collection method: clinical testing. Allele origin: germline.
Comment: This sequence change replaces alanine, which is neutral and non-polar, with proline, which is neutral and non-polar, at codon 2482 of the FLNB protein (p.Ala2482Pro). This variant is present in population databases (rs201566479, gnomAD 0.009%). This variant has not been reported in the literature in individuals affected with FLNB-related conditions. ClinVar contains an entry for this variant (Variation ID: 1986357). Invitae Evidence Modeling of protein sequence and biophysical properties (such as structural, functional, and spatial information, amino acid conservation, physicochemical variation, residue mobility, and thermodynamic stability) indicates that this missense variant is not expected to disrupt FLNB protein function with a negative predictive value of 95%. In summary, the available evidence is currently insufficient to determine the role of this variant in disease. Therefore, it has been classified as a Variant of Uncertain Significance.